The following is an entry in ClinVar:

ClinVar aggregate classification (germline): Likely pathogenic (1 of 4 stars; one submission).

Conditions:
Ocular albinism, type I (OA1). Also called: X-linked recessive ocular albinism; NETTLESHIP-FALLS TYPE OCULAR ALBINISM; Ocular albinism, type I, Nettleship-Falls type; Ocular Albinism type 1. Identifiers: Orphanet 54, MedGen C0342684, MONDO:0021019, OMIM 300500.

Submission:

3billion
Classification: Likely pathogenic for Ocular albinism, type I. Last evaluated: 2025-07-29. Review status: criteria provided, single submitter. Criteria: ACMG Guidelines, 2015. Collection method: clinical testing. Allele origin: germline. Affected: yes.
Comment: The variant is not observed in the gnomAD v4.1.0 dataset. Predicted Consequence/Location: Stop-gained (nonsense): predicted to result in a loss or disruption of normal protein function through nonsense-mediated decay (NMD) or protein truncation. Multiple pathogenic variants are reported downstream of the variant. Therefore, this variant is classified as Likely pathogenic according to the recommendation of ACMG/AMP guideline.

NM_000273.3(GPR143):c.443C>A (p.Ser148Ter)

Gene: GPR143 (G protein-coupled receptor 143; minus strand). Cytogenetic location: Xp22.2.
Variant type: single nucleotide variant.
Coding change: c.443C>A on transcript NM_000273.3 (MANE Select); coding-DNA position 443, C replaced by A.
Protein change: p.Ser148Ter; replaces serine 148 with a stop codon.
Molecular consequence: nonsense.
Genome position (GRCh38, 1-based): chrX:9,759,344, G>T on the plus strand (C>A on the coding strand, the complement: GPR143 is on the minus strand). VCF-style: chrX-9759344-G-T. GRCh37 (hg19) VCF-style: chrX-9727384-G-T.
Other names: c.443C>A, p.Ser148Ter (NM_001440781.1); short protein forms S148*.
Identifiers: ClinVar variation 4853901 (VCV004853901.1).